The following is an entry in ClinVar:

ClinVar aggregate classification (germline): Pathogenic (1 of 4 stars; one submission).

Conditions:
Inborn genetic diseases. Identifiers: MedGen C0950123, MeSH D030342.

Submission:

Ambry Genetics
Classification: Pathogenic for Inborn genetic diseases. Last evaluated: 2025-04-29. Review status: criteria provided, single submitter. Criteria: Ambry Variant Classification Scheme 2023. Collection method: clinical testing. Allele origin: germline.
Comment: The c.1870dupA (p.S624Kfs*47) alteration, located in exon 12 (coding exon 11) of the SCN8A gene, consists of a duplication of A at position 1870, causing a translational frameshift with a predicted alternate stop codon after 47 amino acids. This alteration is expected to result in loss of function by premature protein truncation or nonsense-mediated mRNA decay. for SCN8A-related neurodevelopmental disorder; however, its clinical significance for SCN8A-related seizure disorder is uncertain. This variant was not reported in population-based cohorts in the Genome Aggregation Database (gnomAD). Based on the available evidence, this alteration is classified as pathogenic.

NM_001330260.2(SCN8A):c.1870dup (p.Ser624fs)

Gene: SCN8A (sodium voltage-gated channel alpha subunit 8; plus strand). Cytogenetic location: 12q13.13.
Variant type: Duplication.
Coding change: c.1870dup on transcript NM_001330260.2 (MANE Select); coding-DNA position 1870, one base duplicated (A; older notation c.1870dupA).
Protein change: p.Ser624fs; shifts the reading frame from serine 624.
Molecular consequence: frameshift variant.
Genome position (GRCh38, 1-based): chr12:51,721,780, A duplicated. VCF-style (leftmost placement, unchanged base first): chr12-51721779-C-CA. GRCh37 (hg19) VCF-style: chr12-52115563-C-CA.
Other names: c.1870dup, p.Ser624fs (NM_001177984.3, NM_001369788.1, NM_014191.4); short protein forms S624fs.
Identifiers: ClinVar variation 3951001 (VCV003951001.1).